The following is an entry in ClinVar:

NM_012179.4(FBXO7):c.114G>C (p.Trp38Cys)

Gene: FBXO7 (F-box protein 7; plus strand). Cytogenetic location: 22q12.3.
Variant type: single nucleotide variant.
Coding change: c.114G>C on transcript NM_012179.4 (MANE Select); coding-DNA position 114, G replaced by C.
Protein change: p.Trp38Cys; replaces tryptophan 38 with cysteine.
Molecular consequence: missense variant.
Genome position (GRCh38, 1-based): chr22:32,475,116, G>C. VCF-style: chr22-32475116-G-C. GRCh37 (hg19) VCF-style: chr22-32871103-G-C.
Other names: short protein forms W38C.
Identifiers: ClinVar variation 1478274 (VCV001478274.6), dbSNP rs1315592404, ClinGen allele CA411330024.

ClinVar aggregate classification (germline): Uncertain significance (1 of 4 stars; one submission).

Conditions:
Parkinsonian-pyramidal syndrome. Also called: PALLIDOPYRAMIDAL SYNDROME; PARKINSON DISEASE 15, AUTOSOMAL RECESSIVE; PARKINSON DISEASE 15, AUTOSOMAL RECESSIVE EARLY-ONSET. Identifiers: Orphanet 171695, MedGen C1850100, MONDO:0009830, OMIM 260300.

Allele frequency attached by ClinVar (database versions not stated): gnomAD 0.00001.
gnomAD v4.1: 5 of 1,544,496 alleles (0.00032%); highest among the groups gnomAD compares: Non-Finnish European, 0.00035%; no homozygotes.

Submission:

Labcorp Genetics (formerly Invitae), Labcorp
Classification: Uncertain significance for Parkinsonian-pyramidal syndrome. Last evaluated: 2021-11-29. Review status: criteria provided, single submitter. Criteria: Invitae Variant Classification Sherloc (09022015). Collection method: clinical testing. Allele origin: germline.
Comment: This variant is present in population databases (no rsID available, gnomAD 0.007%). This sequence change replaces tryptophan, which is neutral and slightly polar, with cysteine, which is neutral and slightly polar, at codon 38 of the FBXO7 protein (p.Trp38Cys). This variant has not been reported in the literature in individuals affected with FBXO7-related conditions. In summary, the available evidence is currently insufficient to determine the role of this variant in disease. Therefore, it has been classified as a Variant of Uncertain Significance. Algorithms developed to predict the effect of missense changes on protein structure and function output the following: SIFT: "Tolerated"; PolyPhen-2: "Benign"; Align-GVGD: "Class C0". The cysteine amino acid residue is found in multiple mammalian species, which suggests that this missense change does not adversely affect protein function.